The following is an entry in ClinVar:

ClinVar aggregate classification (germline): Uncertain significance (1 of 4 stars; one submission).

Submission:

Labcorp Genetics (formerly Invitae), Labcorp
Classification: Uncertain significance. Last evaluated: 2021-07-24. Review status: criteria provided, single submitter. Criteria: Invitae Variant Classification Sherloc (09022015). Collection method: clinical testing. Allele origin: germline.
Comment: In summary, the available evidence is currently insufficient to determine the role of this variant in disease. Therefore, it has been classified as a Variant of Uncertain Significance. Algorithms developed to predict the effect of missense changes on protein structure and function are either unavailable or do not agree on the potential impact of this missense change (SIFT: "Deleterious"; PolyPhen-2: "Probably Damaging"; Align-GVGD: "Class C0"). This variant has not been reported in the literature in individuals affected with C6-related conditions. This variant is not present in population databases (ExAC no frequency). This sequence change replaces proline with serine at codon 647 of the C6 protein (p.Pro647Ser). The proline residue is highly conserved and there is a moderate physicochemical difference between proline and serine.

NM_000065.5(C6):c.1939C>T (p.Pro647Ser)

Gene: C6 (complement C6; minus strand). Cytogenetic location: 5p13.1.
Variant type: single nucleotide variant.
Coding change: c.1939C>T on transcript NM_000065.5 (MANE Select); coding-DNA position 1939, C replaced by T.
Protein change: p.Pro647Ser; replaces proline 647 with serine.
Molecular consequence: missense variant.
Genome position (GRCh38, 1-based): chr5:41,158,703, G>A on the plus strand (C>T on the coding strand, the complement: C6 is on the minus strand). VCF-style: chr5-41158703-G-A. GRCh37 (hg19) VCF-style: chr5-41158805-G-A.
Other names: c.1939C>T, p.Pro647Ser (NM_001115131.4); short protein forms P647S.
Identifiers: ClinVar variation 1407150 (VCV001407150.8), dbSNP rs1747160489, ClinGen allele CA359596702.